The following is an entry in ClinVar:

NM_012188.5(FOXI1):c.200G>A (p.Gly67Glu)

Gene: FOXI1 (forkhead box I1; plus strand). Cytogenetic location: 5q35.1.
Variant type: single nucleotide variant.
Coding change: c.200G>A on transcript NM_012188.5 (MANE Select); coding-DNA position 200, G replaced by A.
Protein change: p.Gly67Glu; replaces glycine 67 with glutamic acid.
Molecular consequence: missense variant.
Genome position (GRCh38, 1-based): chr5:170,106,157, G>A. VCF-style: chr5-170106157-G-A. GRCh37 (hg19) VCF-style: chr5-169533161-G-A.
Other names: c.200G>A, p.Gly67Glu (NM_144769.4); short protein forms G67E.
Identifiers: ClinVar variation 1982273 (VCV001982273.5), dbSNP rs745736470, ClinGen allele CA3554975.
Genomic context (GRCh38, chr5:170,106,157, plus strand): 5'-CCTCCTTCGAGGGGGGCGGCGAGTATGGGGCCACCCCCAACCCCTACCTCTGGTTCAACG[G>A]GCCCACCATGACCCCGCCACCCTACCTGCCCGGCCCCAACGCCAGCCCCTTCCTGCCCCA-3'
Protein context (NP_036320.2, residues 57-77): ATPNPYLWFN[Gly67Glu]PTMTPPPYLP

ClinVar aggregate classification (germline): Uncertain significance. Review status: criteria provided, multiple submitters, no conflicts (2 of 4 stars). 2 submissions from 2 submitters: Uncertain significance (2). Last evaluated 2024-06-11.

Conditions:
Autosomal recessive nonsyndromic hearing loss 4 (DFNB4). Also called: NEUROSENSORY NONSYNDROMIC RECESSIVE DEAFNESS 4; FOXI1-Related Pendred Syndrome; KCNJ10-Related Pendred Syndrome; Deafness, autosomal recessive 4; Deafness, autosomal recessive 4, with enlarged vestibular aqueduct; DEAFNESS, AUTOSOMAL RECESSIVE 4, WITH ENLARGED VESTIBULAR AQUEDUCT, DIGENIC. Identifiers: Orphanet 90636, MedGen C3538946, MONDO:0010933, OMIM 600791.

Allele frequency attached by ClinVar (database versions not stated): gnomAD exomes below 0.00001; ExAC 0.00001; gnomAD 0.00001.

Submissions (2):

Fulgent Genetics
Classification: Uncertain significance for Autosomal recessive nonsyndromic hearing loss 4. Last evaluated: 2024-06-11. Review status: criteria provided, single submitter. Criteria: ACMG Guidelines, 2015. Collection method: clinical testing. Allele origin: germline.

Labcorp Genetics (formerly Invitae), Labcorp
Classification: Uncertain significance. Last evaluated: 2021-12-23. Review status: criteria provided, single submitter. Criteria: Invitae Variant Classification Sherloc (09022015). Collection method: clinical testing. Allele origin: germline.
Comment: This sequence change replaces glycine, which is neutral and non-polar, with glutamic acid, which is acidic and polar, at codon 67 of the FOXI1 protein (p.Gly67Glu). The frequency data for this variant in the population databases is considered unreliable, as metrics indicate poor data quality at this position in the gnomAD database. This variant has not been reported in the literature in individuals affected with FOXI1-related conditions. Algorithms developed to predict the effect of missense changes on protein structure and function (SIFT, PolyPhen-2, Align-GVGD) all suggest that this variant is likely to be disruptive. In summary, the available evidence is currently insufficient to determine the role of this variant in disease. Therefore, it has been classified as a Variant of Uncertain Significance.